The following is an entry in ClinVar:

ClinVar aggregate classification (germline): Uncertain significance (1 of 4 stars; one submission).

Submission:

Women's Health and Genetics/Laboratory Corporation of America, LabCorp
Classification: Uncertain significance. Last evaluated: 2025-10-28. Review status: criteria provided, single submitter. Criteria: LabCorp Variant Classification Summary - May 2015. Collection method: clinical testing. Allele origin: germline.
Comment: Variant summary: The variant involves the duplication of exons 1-17 in the SPG7 gene. This duplication includes the entire coding sequence of the gene. As exact breakpoints are unknown, it may extend beyond the annotated region of the gene, to include other flanking genes. A presumed nomenclature of c.(?_-16)_(*674_?)dup has been designated for the purposes of this classification. The variant was absent in 21694 control chromosomes. The available data on variant occurrences in the general population are insufficient to allow any conclusion about variant significance. To our knowledge, no occurrence of c.(?_-16)_(*674_?)dup in individuals affected with SPG7-related conditions and no experimental evidence demonstrating its impact on protein function have been reported. ClinVar contains an entry for this variant (Variation ID: 3243429). Based on the evidence outlined above, the variant was classified as uncertain significance.

NC_000016.9:g.(?_89574810)_(89624175_?)dup

Gene: SPG7 (SPG7 matrix AAA peptidase subunit, paraplegin; plus strand). Cytogenetic location: 16q24.3.
Variant type: Duplication.
Identifiers: ClinVar variation 4687706 (VCV004687706.1).